The following is an entry in ClinVar:

NM_024537.4(CARS2):c.1317G>C (p.Lys439Asn)

Gene: CARS2 (cysteinyl-tRNA synthetase 2, mitochondrial; minus strand). Cytogenetic location: 13q34.
Variant type: single nucleotide variant.
Coding change: c.1317G>C on transcript NM_024537.4 (MANE Select); coding-DNA position 1317, G replaced by C.
Protein change: p.Lys439Asn; replaces lysine 439 with asparagine.
Molecular consequence: missense variant. On other transcripts: non-coding transcript variant (2).
Genome position (GRCh38, 1-based): chr13:110,645,967, C>G on the plus strand (G>C on the coding strand, the complement: CARS2 is on the minus strand). VCF-style: chr13-110645967-C-G. GRCh37 (hg19) VCF-style: chr13-111298314-C-G.
Other names: c.531G>C, p.Lys177Asn (NM_001352252.2); short protein forms K439N, K177N.
Identifiers: ClinVar variation 2298247 (VCV002298247.2), dbSNP rs2501781362, ClinGen allele CA388743397.

ClinVar aggregate classification (germline): Uncertain significance (1 of 4 stars; one submission).

Conditions:
Inborn genetic diseases. Identifiers: MedGen C0950123, MeSH D030342.

Submission:

Ambry Genetics
Classification: Uncertain significance for Inborn genetic diseases. Last evaluated: 2022-08-04. Review status: criteria provided, single submitter. Criteria: Ambry Variant Classification Scheme 2023. Collection method: clinical testing. Allele origin: germline.
Comment: Occurs in the last base pair of the exon Based on insufficient or conflicting evidence, the clinical significance of this alteration remains unclear.